The following is an entry in ClinVar:

NM_147127.5(EVC2):c.2053G>A (p.Glu685Lys)

Gene: EVC2 (EvC ciliary complex subunit 2; minus strand). Cytogenetic location: 4p16.2.
Variant type: single nucleotide variant.
Coding change: c.2053G>A on transcript NM_147127.5 (MANE Select); coding-DNA position 2053, G replaced by A.
Protein change: p.Glu685Lys; replaces glutamic acid 685 with lysine.
Molecular consequence: missense variant.
Genome position (GRCh38, 1-based): chr4:5,622,985, C>T on the plus strand (G>A on the coding strand, the complement: EVC2 is on the minus strand). VCF-style: chr4-5622985-C-T. GRCh37 (hg19) VCF-style: chr4-5624712-C-T.
Other names: c.1813G>A, p.Glu605Lys (NM_001166136.2); c.2053G>A (NM_147127.4); short protein forms E605K, E685K.
Identifiers: ClinVar variation 2053668 (VCV002053668.2), dbSNP rs757608690, ClinGen allele CA2834824.

ClinVar aggregate classification (germline): Uncertain significance. Review status: criteria provided, multiple submitters, no conflicts (2 of 4 stars). 2 submissions from 2 submitters: Uncertain significance (2). Last evaluated 2025-04-25.

Conditions:
Inborn genetic diseases. Identifiers: MedGen C0950123, MeSH D030342.
Ellis-van Creveld syndrome (EVC). Also called: Chondroectodermal dysplasia; MESOECTODERMAL DYSPLASIA; EVC-Related Ellis-van Creveld Syndrome; EVC2-Related Ellis-van Creveld Syndrome. Identifiers: Orphanet 289, MedGen C0013903, MONDO:0009162, OMIM 225500.
Curry-Hall syndrome (WAD). Also called: WEYERS ACRODENTAL DYSOSTOSIS. Identifiers: Orphanet 952, MedGen C0457013, MONDO:0008673, OMIM 193530.

Allele frequency attached by ClinVar (database versions not stated): ExAC 0.00004; TOPMed 0.00004; gnomAD 0.00005; gnomAD exomes 0.00005.
gnomAD v4.1: 76 of 1,613,870 alleles (0.0047%); highest among the groups gnomAD compares: Non-Finnish European, 0.006%; no homozygotes.

Submissions (2):

Ambry Genetics
Classification: Uncertain significance for Inborn genetic diseases. Last evaluated: 2025-04-25. Review status: criteria provided, single submitter. Criteria: Ambry Variant Classification Scheme 2023. Collection method: clinical testing. Allele origin: germline.

Labcorp Genetics (formerly Invitae), Labcorp
Classification: Uncertain significance for Curry-Hall syndrome; Ellis-van Creveld syndrome. Last evaluated: 2022-10-17. Review status: criteria provided, single submitter. Criteria: Invitae Variant Classification Sherloc (09022015). Collection method: clinical testing. Allele origin: germline.
Comment: This sequence change replaces glutamic acid, which is acidic and polar, with lysine, which is basic and polar, at codon 685 of the EVC2 protein (p.Glu685Lys). The frequency data for this variant in the population databases is considered unreliable, as metrics indicate poor data quality at this position in the gnomAD database. This variant has not been reported in the literature in individuals affected with EVC2-related conditions. Algorithms developed to predict the effect of missense changes on protein structure and function are either unavailable or do not agree on the potential impact of this missense change (SIFT: "Deleterious"; PolyPhen-2: "Probably Damaging"; Align-GVGD: "Class C0"). Algorithms developed to predict the effect of sequence changes on RNA splicing suggest that this variant may create or strengthen a splice site. In summary, the available evidence is currently insufficient to determine the role of this variant in disease. Therefore, it has been classified as a Variant of Uncertain Significance.